The following is an entry in ClinVar:

NM_004530.6(MMP2):c.1634C>T (p.Ala545Val)

Gene: MMP2 (matrix metallopeptidase 2; plus strand). Cytogenetic location: 16q12.2.
Variant type: single nucleotide variant.
Coding change: c.1634C>T on transcript NM_004530.6 (MANE Select); coding-DNA position 1634, C replaced by T.
Protein change: p.Ala545Val; replaces alanine 545 with valine.
Molecular consequence: missense variant.
Genome position (GRCh38, 1-based): chr16:55,498,313, C>T. VCF-style: chr16-55498313-C-T. GRCh37 (hg19) VCF-style: chr16-55532225-C-T.
Other names: c.1484C>T, p.Ala495Val (NM_001127891.3); c.1406C>T, p.Ala469Val (NM_001302508.1, NM_001302509.2, NM_001302510.2); short protein forms A495V, A545V, A469V.
Identifiers: ClinVar variation 885203 (VCV000885203.12), dbSNP rs143247099, ClinGen allele CA8060518.
Genomic context (GRCh38, chr16:55,498,313, plus strand): 5'-CAGCACCAGCCAACACACCCTTTGCTTCCACCCCAGGGAATGAATACTGGATCTACTCAG[C>T]CAGCACCCTGGAGCGAGGGTACCCCAAGCCACTGACCAGCCTGGGACTGCCCCCTGATGT-3'
Protein context (NP_004521.1, residues 535-555): FAGNEYWIYS[Ala545Val]STLERGYPKP

ClinVar aggregate classification (germline): Uncertain significance. Review status: criteria provided, multiple submitters, no conflicts (2 of 4 stars). 3 submissions from 3 submitters: Uncertain significance (3). Last evaluated 2024-10-29.

Conditions:
Multicentric osteolysis nodulosis arthropathy spectrum. Identifiers: Orphanet 3460, Orphanet 371428, MedGen C1850155, MONDO:0018298.

Allele frequency attached by ClinVar (database versions not stated): gnomAD exomes 0.00009 and 0.00026; gnomAD 0.00010; TOPMed 0.00010; ESP Exome Variant Server 0.00008; ExAC 0.00011; 1000 Genomes Project 30x 0.00016.
gnomAD v4.1: 406 of 1,614,228 alleles (0.025%); highest among the groups gnomAD compares: Non-Finnish European, 0.032%; no homozygotes.

Submissions (3):

Labcorp Genetics (formerly Invitae), Labcorp
Classification: Uncertain significance. Last evaluated: 2024-10-29. Review status: criteria provided, single submitter. Criteria: Invitae Variant Classification Sherloc (09022015). Collection method: clinical testing. Allele origin: germline.
Comment: This sequence change replaces alanine, which is neutral and non-polar, with valine, which is neutral and non-polar, at codon 545 of the MMP2 protein (p.Ala545Val). This variant is present in population databases (rs143247099, gnomAD 0.02%). This variant has not been reported in the literature in individuals affected with MMP2-related conditions. ClinVar contains an entry for this variant (Variation ID: 885203). Invitae Evidence Modeling of protein sequence and biophysical properties (such as structural, functional, and spatial information, amino acid conservation, physicochemical variation, residue mobility, and thermodynamic stability) indicates that this missense variant is not expected to disrupt MMP2 protein function with a negative predictive value of 80%. In summary, the available evidence is currently insufficient to determine the role of this variant in disease. Therefore, it has been classified as a Variant of Uncertain Significance.

Fulgent Genetics
Classification: Uncertain significance for Multicentric osteolysis, nodulosis, and arthropathy. Last evaluated: 2022-03-23. Review status: criteria provided, single submitter. Criteria: ACMG Guidelines, 2015. Collection method: clinical testing. Allele origin: unknown.

Illumina Laboratory Services, Illumina
Classification: Uncertain significance for Multicentric osteolysis, nodulosis, and arthropathy. Last evaluated: 2017-04-28. Review status: criteria provided, single submitter. Criteria: ICSL Variant Classification Criteria 13 December 2019. Collection method: clinical testing. Allele origin: germline.